The following is an entry in ClinVar:

ClinVar aggregate classification (germline): Benign/Likely benign. Review status: criteria provided, multiple submitters, no conflicts (2 of 4 stars). 4 submissions from 4 submitters: Benign (2); Likely benign (2). Last evaluated 2025-05-02.

Conditions:
Tuberous sclerosis 2 (TSC2). Identifiers: Orphanet 805, MedGen C1860707, MONDO:0013199, OMIM 613254.

Submissions (4):

Myriad Genetics, Inc.
Classification: Benign for Tuberous sclerosis 2. Last evaluated: 2025-05-02. Review status: criteria provided, single submitter. Criteria: Myriad Autosomal Dominant, Autosomal Recessive and X-Linked Classification Criteria (2023). Collection method: clinical testing. Allele origin: unknown.
Comment: This variant is considered benign. This variant is a silent/synonymous amino acid change and it is not expected to impact splicing.

Labcorp Genetics (formerly Invitae), Labcorp
Classification: Likely benign for Tuberous sclerosis 2. Last evaluated: 2024-12-15. Review status: criteria provided, single submitter. Criteria: Invitae Variant Classification Sherloc (09022015). Collection method: clinical testing. Allele origin: germline.

Genome-Nilou Lab
Classification: Benign for Tuberous sclerosis 2. Last evaluated: 2021-11-07. Review status: criteria provided, single submitter. Criteria: ACMG Guidelines, 2015. Collection method: clinical testing. Allele origin: germline. Affected: no.

GeneDx
Classification: Likely benign. Last evaluated: 2020-11-27. Review status: criteria provided, single submitter. Criteria: GeneDx Variant Classification Process June 2021. Collection method: clinical testing. Allele origin: germline. Affected: yes.

NM_000548.5(TSC2):c.231A>C (p.Ala77=)

Gene: TSC2 (TSC complex subunit 2; plus strand). Cytogenetic location: 16p13.3.
Variant type: single nucleotide variant.
Coding change: c.231A>C on transcript NM_000548.5 (MANE Select); coding-DNA position 231, A replaced by C.
Protein change: p.Ala77=; no amino-acid change (alanine 77 retained).
Molecular consequence: synonymous variant. On other transcripts: intron variant (2).
Genome position (GRCh38, 1-based): chr16:2,053,347, A>C. VCF-style: chr16-2053347-A-C. GRCh37 (hg19) VCF-style: chr16-2103348-A-C.
Other names: c.231A>C, p.Ala77= (NM_001077183.3, NM_001114382.3, NM_001363528.2 and 3 more transcripts); c.84A>C, p.Ala28= (NM_001318829.2); c.264A>C, p.Ala88= (NM_001318832.2); c.226-949A>C (NM_001318827.2); c.-1-2849A>C (NM_001318831.2).
Identifiers: ClinVar variation 1111873 (VCV001111873.14), dbSNP rs2151026046, ClinGen allele CA492955097.
Genomic context (GRCh38, chr16:2,053,347, plus strand): 5'-GGGCCAGGGTTCTTGGAGAGCACATCCTCACCGCTGTCCCCTCTGCTGGTGACAGCACGC[A>C]GTGGAAGCACTCTGGAAGGCGGTCGCGGATCTGTTGCAGCCGGAGCGGCCGCTGGAGGCC-3'
Protein context (NP_000539.2, residues 67-87): VAKTKKFEEH[Ala77=]VEALWKAVAD